The following is an entry in ClinVar:

NM_001378454.1(ALMS1):c.4945G>A (p.Gly1649Arg)

Gene: ALMS1 (ALMS1 centrosome and basal body associated protein; plus strand). Cytogenetic location: 2p13.1.
Variant type: single nucleotide variant.
Coding change: c.4945G>A on transcript NM_001378454.1 (MANE Select); coding-DNA position 4945, G replaced by A.
Protein change: p.Gly1649Arg; replaces glycine 1649 with arginine.
Molecular consequence: missense variant.
Genome position (GRCh38, 1-based): chr2:73,451,472, G>A. VCF-style: chr2-73451472-G-A. GRCh37 (hg19) VCF-style: chr2-73678599-G-A.
Other names: c.4948G>A, p.Gly1650Arg (NM_015120.4); short protein forms G1650R, G1649R.
Identifiers: ClinVar variation 2136151 (VCV002136151.2), dbSNP rs2466103370, ClinGen allele CA347279586.

ClinVar aggregate classification (germline): Uncertain significance (1 of 4 stars; one submission).

Allele frequency attached by ClinVar (database versions not stated): gnomAD exomes below 0.00001.
gnomAD v4.1: 2 of 1,613,998 alleles (0.00012%); highest among the groups gnomAD compares: African/African-American, 0.0013%; no homozygotes.

Submission:

GeneDx
Classification: Uncertain significance. Last evaluated: 2023-05-22. Review status: criteria provided, single submitter. Criteria: GeneDx Variant Classification Process June 2021. Collection method: clinical testing. Allele origin: germline. Affected: yes.
Comment: Has not been previously published as pathogenic or benign to our knowledge; Not observed at significant frequency in large population cohorts (gnomAD); In silico analysis supports that this missense variant does not alter protein structure/function